The following is an entry in ClinVar:

ClinVar aggregate classification (germline): Uncertain significance. Review status: criteria provided, multiple submitters, no conflicts (2 of 4 stars). 3 submissions from 3 submitters: Uncertain significance (3). Last evaluated 2025-11-15.

Conditions:
Autoimmune lymphoproliferative syndrome type 2A (ALPS2A). Also called: CASP10-Related Autoimmune Lymphoproliferative Syndrome; Autoimmune lymphoproliferative syndrome type 2; AUTOIMMUNE LYMPHOPROLIFERATIVE SYNDROME, TYPE IIA. Identifiers: Orphanet 3261, MedGen C1858968, MONDO:0011383, OMIM 603909.

Allele frequency attached by ClinVar (database versions not stated): gnomAD exomes below 0.00001.
gnomAD v4.1: 4 of 1,614,150 alleles (0.00025%); highest among the groups gnomAD compares: Middle Eastern, 0.033%; no homozygotes.

Submissions (3):

Mayo Clinic Laboratories, Mayo Clinic
Classification: Uncertain significance. Last evaluated: 2025-11-15. Review status: criteria provided, single submitter. Criteria: ACMG Guidelines, 2015. Collection method: clinical testing. Allele origin: germline. Observed: 2 variant alleles.
Comment: PP3_moderate, PM2_supporting

Blueprint Genetics
Classification: Uncertain significance. Last evaluated: 2021-06-11. Review status: criteria provided, single submitter. Criteria: ACMG Guidelines, 2015. Collection method: clinical testing. Allele origin: germline.

Labcorp Genetics (formerly Invitae), Labcorp
Classification: Uncertain significance for Autoimmune lymphoproliferative syndrome, type 2A; Autoimmune lymphoproliferative syndrome type 2. Last evaluated: 2019-06-25. Review status: criteria provided, single submitter. Criteria: Invitae Variant Classification Sherloc (09022015). Collection method: clinical testing. Allele origin: germline.
Comment: This sequence change replaces valine with glycine at codon 487 of the CASP10 protein (p.Val487Gly). The valine residue is highly conserved and there is a moderate physicochemical difference between valine and glycine. This variant is not present in population databases (ExAC no frequency). This variant has not been reported in the literature in individuals with CASP10-related disease. Algorithms developed to predict the effect of missense changes on protein structure and function are either unavailable or do not agree on the potential impact of this missense change (SIFT: "Deleterious"; PolyPhen-2: "Probably Damaging"; Align-GVGD: "Class C0"). In summary, the available evidence is currently insufficient to determine the role of this variant in disease. Therefore, it has been classified as a Variant of Uncertain Significance.

NM_032977.4(CASP10):c.1460T>G (p.Val487Gly)

Gene: CASP10 (caspase 10; plus strand). Cytogenetic location: 2q33.1.
Variant type: single nucleotide variant.
Coding change: c.1460T>G on transcript NM_032977.4 (MANE Select); coding-DNA position 1460, T replaced by G.
Protein change: p.Val487Gly; replaces valine 487 with glycine.
Molecular consequence: missense variant. On other transcripts: 3 prime UTR variant (1), intron variant (2).
Genome position (GRCh38, 1-based): chr2:201,217,632, T>G. VCF-style: chr2-201217632-T-G. GRCh37 (hg19) VCF-style: chr2-202082355-T-G.
Other names: p.Val487Gly; c.1259T>G, p.Val420Gly (NM_001206524.2); c.1331T>G, p.Val444Gly (NM_001230.5); c.*546T>G (NM_032976.4); c.1415+8070T>G (NM_032974.5); c.1286+8070T>G (NM_001206542.2); short protein forms V487G, V420G, V444G.
Identifiers: ClinVar variation 566866 (VCV000566866.6), dbSNP rs1559314420, ClinGen allele CA350296608.